The following is an entry in ClinVar:

ClinVar aggregate classification (germline): Likely pathogenic. Review status: criteria provided, multiple submitters, no conflicts (2 of 4 stars). 2 submissions from 2 submitters: Likely pathogenic (2). Last evaluated 2024-01-26.

Conditions:
Chédiak-Higashi syndrome (CHS). Also called: Chediak-Higashi Syndrome. Identifiers: Orphanet 167, MedGen C0007965, MONDO:0008963, OMIM 214500.

Allele frequency attached by ClinVar (database versions not stated): gnomAD exomes below 0.00001.
gnomAD v4.1: 1 of 1,612,076 alleles (0.000062%); highest among the groups gnomAD compares: Non-Finnish European, 0.000085%; no homozygotes.

Submissions (2):

Fulgent Genetics
Classification: Likely pathogenic for Chédiak-Higashi syndrome. Last evaluated: 2024-01-26. Review status: criteria provided, single submitter. Criteria: ACMG Guidelines, 2015. Collection method: clinical testing. Allele origin: germline.

Labcorp Genetics (formerly Invitae), Labcorp
Classification: Likely pathogenic for Chédiak-Higashi syndrome. Last evaluated: 2023-01-13. Review status: criteria provided, single submitter. Criteria: Invitae Variant Classification Sherloc (09022015). Collection method: clinical testing. Allele origin: germline.
Comment: This sequence change affects a donor splice site in intron 14 of the LYST gene. It is expected to disrupt RNA splicing. Variants that disrupt the donor or acceptor splice site typically lead to a loss of protein function (PMID: 16199547), and loss-of-function variants in LYST are known to be pathogenic (PMID: 9215679, 11857544). This variant is not present in population databases (gnomAD no frequency). This variant has not been reported in the literature in individuals affected with LYST-related conditions. ClinVar contains an entry for this variant (Variation ID: 851637). Algorithms developed to predict the effect of sequence changes on RNA splicing suggest that this variant may disrupt the consensus splice site. In summary, the currently available evidence indicates that the variant is pathogenic, but additional data are needed to prove that conclusively. Therefore, this variant has been classified as Likely Pathogenic.

Literature cited by the submitters: PubMed 16199547 (cited by Labcorp Genetics (formerly Invitae), Labcorp); PubMed 9215679 (cited by Labcorp Genetics (formerly Invitae), Labcorp); PubMed 11857544 (cited by Labcorp Genetics (formerly Invitae), Labcorp).

NM_000081.4(LYST):c.4862+2T>A

Gene: LYST (lysosomal trafficking regulator; minus strand). Cytogenetic location: 1q42.3.
Variant type: single nucleotide variant.
Coding change: c.4862+2T>A on transcript NM_000081.4 (MANE Select); the canonical splice donor site of the intron after coding-DNA position 4862, T replaced by A.
Molecular consequence: splice donor variant.
Genome position (GRCh38, 1-based): chr1:235,787,198, A>T on the plus strand (T>A on the coding strand, the complement: LYST is on the minus strand). VCF-style: chr1-235787198-A-T. GRCh37 (hg19) VCF-style: chr1-235950498-A-T.
Other names: c.4862+2T>A (NM_001301365.1).
Identifiers: ClinVar variation 851637 (VCV000851637.5), dbSNP rs2528089182, ClinGen allele CA344957299.
Genomic context (GRCh38, chr1:235,787,198, plus strand): 5'-TGACTAATGAAACATAACATTGTAACTGAGATTGAGATGCATTTTCTCAAAATGCTTCCT[A>T]CCTCTGTCCAGAGACCCATATGGAGATTTTCCCATGAATCCTCCTTTTCCCTTGGGGCTG-3'